The following is an entry in ClinVar:

NM_001792.5(CDH2):c.1888A>G (p.Ile630Val)

Gene: CDH2 (cadherin 2; minus strand). Cytogenetic location: 18q12.1.
Variant type: single nucleotide variant.
Coding change: c.1888A>G on transcript NM_001792.5 (MANE Select); coding-DNA position 1888, A replaced by G.
Protein change: p.Ile630Val; replaces isoleucine 630 with valine.
Molecular consequence: missense variant.
Genome position (GRCh38, 1-based): chr18:27,985,615, T>C on the plus strand (A>G on the coding strand, the complement: CDH2 is on the minus strand). VCF-style: chr18-27985615-T-C. GRCh37 (hg19) VCF-style: chr18-25565579-T-C.
Other names: c.1795A>G, p.Ile599Val (NM_001308176.2); short protein forms I599V, I630V.
Identifiers: ClinVar variation 3630424 (VCV003630424.2).

ClinVar aggregate classification (germline): Uncertain significance (1 of 4 stars; one submission).

Submission:

Labcorp Genetics (formerly Invitae), Labcorp
Classification: Uncertain significance. Last evaluated: 2024-10-28. Review status: criteria provided, single submitter. Criteria: Invitae Variant Classification Sherloc (09022015). Collection method: clinical testing. Allele origin: germline.
Comment: This sequence change replaces isoleucine, which is neutral and non-polar, with valine, which is neutral and non-polar, at codon 630 of the CDH2 protein (p.Ile630Val). This variant is not present in population databases (gnomAD no frequency). This variant has not been reported in the literature in individuals affected with CDH2-related conditions. An algorithm developed to predict the effect of missense changes on protein structure and function (PolyPhen-2) suggests that this variant is likely to be tolerated. In summary, the available evidence is currently insufficient to determine the role of this variant in disease. Therefore, it has been classified as a Variant of Uncertain Significance.